The following is an entry in ClinVar:

ClinVar aggregate classification (germline): Uncertain significance (1 of 4 stars; one submission).

Conditions:
Werner syndrome (WRN). Identifiers: Orphanet 902, MedGen C0043119, MONDO:0010196, OMIM 277700.

gnomAD v4.1: 1 of 1,614,040 alleles (0.000062%); highest among the groups gnomAD compares: Non-Finnish European, 0.000085%; no homozygotes.

Submission:

Labcorp Genetics (formerly Invitae), Labcorp
Classification: Uncertain significance for Werner syndrome. Last evaluated: 2025-05-09. Review status: criteria provided, single submitter. Criteria: Invitae Variant Classification Sherloc (09022015). Collection method: clinical testing. Allele origin: germline.
Comment: This sequence change replaces threonine, which is neutral and polar, with isoleucine, which is neutral and non-polar, at codon 703 of the WRN protein (p.Thr703Ile). This variant is present in population databases (rs201384942, gnomAD 0.0009%). This variant has not been reported in the literature in individuals affected with WRN-related conditions. ClinVar contains an entry for this variant (Variation ID: 936040). An algorithm developed to predict the effect of missense changes on protein structure and function (PolyPhen-2) suggests that this variant is likely to be disruptive. In summary, the available evidence is currently insufficient to determine the role of this variant in disease. Therefore, it has been classified as a Variant of Uncertain Significance.

NM_000553.6(WRN):c.2108C>T (p.Thr703Ile)

Gene: WRN (WRN RecQ like helicase; plus strand). Cytogenetic location: 8p12.
Variant type: single nucleotide variant.
Coding change: c.2108C>T on transcript NM_000553.6 (MANE Select); coding-DNA position 2108, C replaced by T.
Protein change: p.Thr703Ile; replaces threonine 703 with isoleucine.
Molecular consequence: missense variant.
Genome position (GRCh38, 1-based): chr8:31,111,634, C>T. VCF-style: chr8-31111634-C-T. GRCh37 (hg19) VCF-style: chr8-30969150-C-T.
Other names: short protein forms T703I.
Identifiers: ClinVar variation 936040 (VCV000936040.5), dbSNP rs201384942, ClinGen allele CA4704645.